The following is an entry in ClinVar:

ClinVar aggregate classification (germline): Conflicting classifications of pathogenicity. Review status: criteria provided, conflicting classifications (1 of 4 stars). 12 submissions from 10 submitters: Uncertain significance (4); Benign (2); Likely benign (4). 2 of the submissions do not count toward it. Last evaluated 2026-05-07.

Conditions:
METHEMOGLOBINEMIA, BETA TYPE. Also called: Methemoglobinemia, beta-globin type. Identifiers: MedGen C1840779, OMIM 617971.
Hb SS disease (SCD). Also called: Sickle cell anemia; Sickle cell disease; HbS disease; Hemoglobin S Disease; Sickling disorder due to hemoglobin S; Hemoglobin SS. Identifiers: Orphanet 232, Orphanet 275752, MedGen C0002895, MONDO:0011382, OMIM 603903.
Dominant beta-thalassemia. Also called: Beta-thalassemia, dominant inclusion body type. Identifiers: Orphanet 231226, Orphanet 848, MedGen C1858990, MONDO:0011381, OMIM 603902.
Beta-thalassemia HBB/LCRB. Identifiers: MedGen CN322236, MONDO:0013517, OMIM 613985.
Erythrocytosis, familial, 6. Also called: ERYTHROCYTOSIS, BETA-GLOBIN TYPE; POLYCYTHEMIA, BETA-GLOBIN TYPE. Identifiers: MedGen C4693822, MONDO:0054801, OMIM 617980.
Heinz body anemia. Also called: Heinz body hemolytic anemia. Identifiers: Orphanet 178330, MedGen C0700299, MONDO:0007705, OMIM 140700, HP:0005511.
Malaria, susceptibility to. Identifiers: Orphanet 673, MedGen C1970028, MONDO:0021024, OMIM 611162.
Hereditary persistence of fetal hemoglobin. Identifiers: MedGen C0019025, MONDO:0020989, OMIM 141749.
HBB-related disorder. Also called: HBB-related condition; HBB-related disorders. Identifiers: MedGen CN239378.
Fetal hemoglobin quantitative trait locus 1 (HBFQTL1). Identifiers: Orphanet 251380, MedGen C1841621.
beta Thalassemia (BTHAL). Also called: Cooley's anemia; Erythroblastic anemia; Mediterranean anemia. Identifiers: Orphanet 848, MedGen C0005283, MONDO:0019402. Disease mechanism: loss of function.
Hemoglobin E. Identifiers: MedGen C3889325.

Allele frequency attached by ClinVar (database versions not stated): gnomAD 0.00003; TOPMed 0.00003; ESP Exome Variant Server 0.00008.

Submissions (12):

Women's Health and Genetics/Laboratory Corporation of America, LabCorp
Classification: Likely benign. Last evaluated: 2026-05-07. Review status: criteria provided, single submitter. Criteria: LabCorp Variant Classification Summary - May 2015. Collection method: clinical testing. Allele origin: germline.
Comment: Variant summary: HBB c.-31C>T is located in the untranslated mRNA region upstream of the initiation codon. The variant allele was found at a frequency of 6.4e-05 in 250664 control chromosomes. This frequency is not significantly higher than estimated for disease-causing variants in HBB, allowing no conclusion about variant significance. c.-31C>T has been widely reported in the literature to co-occur in cis with other disease causing variants such as IVS-II-745C>G (c.316-106C>G) in individuals affected with Beta Thalassemia (e.g. Gonzalez-Redondo_1989, Lemsaddek_2003, Yavarian_2001, Galehdari_2011, Ozalp_2024), suggesting it may be benign. Locus specific databases report this variant predominantly as benign. At least one publication reports experimental evidence evaluating an impact on expression of beta globin mRNA, however, does not allow convincing conclusions about the variant effect (e.g. Irenge_2002). The following publications have been ascertained in the context of this evaluation (PMID: 18976160, 33851260, 20854120, 22737496, 2713503, 20113284, 12324499, 12827652, 19657842, 38708170, 20704537, 23321370, 15108284, 11300348). ClinVar contains an entry for this variant (Variation ID: 36291). Based on the evidence outlined above, the variant was classified as likely benign.

Quest Diagnostics Nichols Institute San Juan Capistrano
Classification: Likely benign. Last evaluated: 2025-07-14. Review status: criteria provided, single submitter. Criteria: Quest Diagnostics criteria. Collection method: clinical testing. Allele origin: unknown.

ARUP Laboratories, Molecular Genetics and Genomics, ARUP Laboratories
Classification: Likely benign. Last evaluated: 2025-06-23. Review status: criteria provided, single submitter. Criteria: ARUP Molecular Germline Variant Investigation Process 2024. Collection method: clinical testing. Allele origin: germline.

CeGaT Center for Human Genetics Tuebingen
Classification: Likely benign. Last evaluated: 2024-08-01. Review status: criteria provided, single submitter. Criteria: CeGaT Center For Human Genetics Tuebingen Variant Classification Criteria Version 2. Collection method: clinical testing. Allele origin: germline. Affected: yes. Observed: 1 variant allele.
Comment: HBB: PP4, BP2, BP5

Fulgent Genetics
Classification: Uncertain significance for Heinz body anemia; Hereditary persistence of fetal hemoglobin; Dominant beta-thalassemia; Hb SS disease; Malaria, susceptibility to; Beta-thalassemia HBB/LCRB; METHEMOGLOBINEMIA, BETA TYPE; Erythrocytosis, familial, 6. Last evaluated: 2024-05-07. Review status: criteria provided, single submitter. Criteria: ACMG Guidelines, 2015. Collection method: clinical testing. Allele origin: germline.

Blueprint Genetics
Classification: Uncertain significance. Last evaluated: 2024-03-07. Review status: criteria provided, single submitter. Criteria: ACMG Guidelines, 2015. Collection method: clinical testing. Allele origin: germline.

Genetics and Molecular Pathology, SA Pathology
Classification: Uncertain significance for Dominant beta-thalassemia. Last evaluated: 2020-02-21. Review status: criteria provided, single submitter. Criteria: ACMG Guidelines, 2015. Collection method: clinical testing. Allele origin: germline. Affected: yes.

Illumina Laboratory Services, Illumina
Classification: Benign for Hb SS disease. Last evaluated: 2017-04-27. Review status: criteria provided, single submitter. Criteria: ICSL Variant Classification Criteria 13 December 2019. Collection method: clinical testing. Allele origin: germline.
Comment: This variant was observed as part of a predisposition screen in an ostensibly healthy population. A literature search was performed for the gene, cDNA change, and amino acid change (where applicable). No publications were found based on this search. Allele frequency data from public databases was too high to be consistent with this variant causing disease. Therefore, this variant is classified as benign.

Illumina Laboratory Services, Illumina
Classification: Uncertain significance for Hereditary persistence of fetal hemoglobin. Last evaluated: 2017-04-27. Review status: criteria provided, single submitter. Criteria: ICSL Variant Classification Criteria 13 December 2019. Collection method: clinical testing. Allele origin: germline.

Illumina Laboratory Services, Illumina
Classification: Benign for Hemoglobin E. Last evaluated: 2017-04-27. Review status: criteria provided, single submitter. Criteria: ICSL Variant Classification Criteria 13 December 2019. Collection method: clinical testing. Allele origin: germline.
Comment: the same text as in the submission from Illumina Laboratory Services, Illumina above.

PreventionGenetics, part of Exact Sciences
Classification: Uncertain significance for HBB-related condition. Last evaluated: 2024-05-28. Review status: no assertion criteria provided. Collection method: clinical testing. Allele origin: germline. Not counted in ClinVar's aggregate classification.
Comment: The HBB c.-31C>T variant is located in the 5' untranslated region. This variant has also been described in the literature as 5' UTR+20(C>T) or +20(C>T) or 5’UTR-31(C>T) or C>T at nt +20 to the Cap site or β++20 (C>T). This variant has been frequently observed on the same allele (in cis) with the disease-causing variant c.316-106C>G (a.k.a. "IVS-II-745") in multiple individuals with beta thalassemia (Table 1, footnotes, Reported as C>T at nt position +20 to the Cap site, Gonzalez-Redondo et al. 1989. PubMed ID: 2713503; Reported as β++20 (C>T), Lemsaddek et al. 2003. PubMed ID: 12827652; Table 1, n 22, Reported as IVS-II-745 (C>G)+5’UTR+20(C>T), Galehdari et al. 2010. PubMed ID: 20854120; Table 1, Reported as +20(C>T), Ropero et al. 2013. PubMed ID: 23425204; Table 1 and 2, Reported as c.-31C>T, Carrocini et al. 2017. PubMed ID: 28366028). However, it has also been observed without the c.316-106C>G variant in a severely affected individual who was potentially compound heterozygous for c.-31C>T and a second pathogenic HBB variant, c.93-21G>A [a.k.a. "IVS-1-110 (G>A)"] (Tables 3 and 4, Reported as 5’UTR;+20(C>T), c.-31C>T, and 5’UTR-31(C>T), Sirdah et al. 2013. PubMed ID: 23321370). Additionally, an in vitro RT-PCR-based study reported a ~50% reduction in HBB mRNA expression for the c.-31C>T allele (without c.316-106C>G) relative to wild type (Table 1, Reported as +20C>T, Irenge et al. 2002. PubMed ID: 12324499). This variant is reported in 0.014% of alleles in individuals of European (Non-Finnish) descent in gnomAD. At this time, the clinical significance of this variant is uncertain due to the absence of conclusive functional and genetic evidence.

The ITHANET community portal, The Cyprus Institute of Neurology and Genetics
Classification: Benign for beta Thalassemia. Last evaluated: 2019-11-25. Review status: no assertion criteria provided. Collection method: curation. Allele origin: germline. Not counted in ClinVar's aggregate classification.

Literature cited by the submitters: PubMed 2713503 (cited by Women's Health and Genetics/Laboratory Corporation of America, LabCorp and Quest Diagnostics Nichols Institute San Juan Capistrano); PubMed 20704537 (cited by Women's Health and Genetics/Laboratory Corporation of America, LabCorp and Quest Diagnostics Nichols Institute San Juan Capistrano); PubMed 15108284 (cited by Women's Health and Genetics/Laboratory Corporation of America, LabCorp and Quest Diagnostics Nichols Institute San Juan Capistrano); PubMed 20854120 (cited by Women's Health and Genetics/Laboratory Corporation of America, LabCorp); PubMed 18976160 (cited by Women's Health and Genetics/Laboratory Corporation of America, LabCorp); PubMed 20113284 (cited by Women's Health and Genetics/Laboratory Corporation of America, LabCorp); PubMed 12324499 (cited by Women's Health and Genetics/Laboratory Corporation of America, LabCorp); PubMed 12827652 (cited by Women's Health and Genetics/Laboratory Corporation of America, LabCorp); PubMed 19657842 (cited by Women's Health and Genetics/Laboratory Corporation of America, LabCorp and Quest Diagnostics Nichols Institute San Juan Capistrano); PubMed 11300348 (cited by Women's Health and Genetics/Laboratory Corporation of America, LabCorp and Quest Diagnostics Nichols Institute San Juan Capistrano); PubMed 22737496 (cited by Women's Health and Genetics/Laboratory Corporation of America, LabCorp); PubMed 23321370 (cited by Women's Health and Genetics/Laboratory Corporation of America, LabCorp and Quest Diagnostics Nichols Institute San Juan Capistrano); PubMed 33851260 (cited by Women's Health and Genetics/Laboratory Corporation of America, LabCorp); PubMed 38708170 (cited by Women's Health and Genetics/Laboratory Corporation of America, LabCorp); PubMed 29240028 (cited by Quest Diagnostics Nichols Institute San Juan Capistrano); PubMed 28366028 (cited by Quest Diagnostics Nichols Institute San Juan Capistrano); PubMed 33335418 (cited by Quest Diagnostics Nichols Institute San Juan Capistrano); PubMed 34272389 (cited by Quest Diagnostics Nichols Institute San Juan Capistrano); PubMed 34426522 (cited by Quest Diagnostics Nichols Institute San Juan Capistrano); PubMed 23425204 (cited by Quest Diagnostics Nichols Institute San Juan Capistrano and The ITHANET community portal, The Cyprus Institute of Neurology and Genetics); PubMed 24401016 (cited by Quest Diagnostics Nichols Institute San Juan Capistrano); PubMed 25016698 (cited by Quest Diagnostics Nichols Institute San Juan Capistrano); PubMed 26084319 (cited by Quest Diagnostics Nichols Institute San Juan Capistrano); PubMed 25155404 (cited by Quest Diagnostics Nichols Institute San Juan Capistrano).

NM_000518.5(HBB):c.-31C>T

Genes: HBB (hemoglobin subunit beta; minus strand), LOC106099062 (HBB recombination region; plus strand), LOC107133510 (origin of replication at HBB; plus strand). Cytogenetic location: 11p15.4.
Variant type: single nucleotide variant.
Coding change: c.-31C>T on transcript NM_000518.5 (MANE Select); 31 bases upstream of the start codon, C replaced by T.
Molecular consequence: 5 prime UTR variant.
Genome position (GRCh38, 1-based): chr11:5,227,052, G>A on the plus strand (C>T on the coding strand, the complement: HBB is on the minus strand). VCF-style: chr11-5227052-G-A. GRCh37 (hg19) VCF-style: chr11-5248282-G-A.
Other names: CAP +20 C>T.
Identifiers: ClinVar variation 36291 (VCV000036291.54), dbSNP rs63750628, ClinGen allele CA342844.